The following is an entry in ClinVar:

NM_139057.4(ADAMTS17):c.3279G>A (p.Pro1093=)

Gene: ADAMTS17 (ADAM metallopeptidase with thrombospondin type 1 motif 17; minus strand). Cytogenetic location: 15q26.3.
Variant type: single nucleotide variant.
Coding change: c.3279G>A on transcript NM_139057.4 (MANE Select); coding-DNA position 3279, G replaced by A.
Protein change: p.Pro1093=; no amino-acid change (proline 1093 retained).
Molecular consequence: synonymous variant.
Genome position (GRCh38, 1-based): chr15:99,974,411, C>T on the plus strand (G>A on the coding strand, the complement: ADAMTS17 is on the minus strand). VCF-style: chr15-99974411-C-T. GRCh37 (hg19) VCF-style: chr15-100514616-C-T.
Other names: c.3279G>A (NM_139057.2).
Identifiers: ClinVar variation 3609351 (VCV003609351.13).

ClinVar aggregate classification (germline): Likely benign. Review status: criteria provided, multiple submitters, no conflicts (2 of 4 stars). 3 submissions from 3 submitters: Likely benign (3). Last evaluated 2025-09-04.

Conditions:
Inborn genetic diseases. Identifiers: MedGen C0950123, MeSH D030342.

gnomAD v4.1: 27 of 1,614,020 alleles (0.0017%); highest among the groups gnomAD compares: South Asian, 0.0033%; no homozygotes.

Submissions (3):

Ambry Genetics
Classification: Likely benign for Inborn genetic diseases. Last evaluated: 2025-09-04. Review status: criteria provided, single submitter. Criteria: Ambry Variant Classification Scheme 2023. Collection method: clinical testing. Allele origin: germline.

CeGaT Center for Human Genetics Tuebingen
Classification: Likely benign. Last evaluated: 2025-05-01. Review status: criteria provided, single submitter. Criteria: CeGaT Center For Human Genetics Tuebingen Variant Classification Criteria Version 2. Collection method: clinical testing. Allele origin: germline. Affected: yes. Observed: 1 variant allele.
Comment: ADAMTS17: BP4, BP7

Labcorp Genetics (formerly Invitae), Labcorp
Classification: Likely benign. Last evaluated: 2025-01-20. Review status: criteria provided, single submitter. Criteria: Invitae Variant Classification Sherloc (09022015). Collection method: clinical testing. Allele origin: germline.